The following is an entry in ClinVar:

ClinVar aggregate classification (germline): Conflicting classifications of pathogenicity. Review status: criteria provided, conflicting classifications (1 of 4 stars). 3 submissions from 3 submitters: Likely pathogenic (2); Uncertain significance (1). Last evaluated 2026-08-11.

Conditions:
Glycogen storage disease, type V (GSD5). Also called: MYOPHOSPHORYLASE DEFICIENCY; MCARDLE DISEASE; MUSCLE GLYCOGEN PHOSPHORYLASE DEFICIENCY; McArdle type glycogen storage disease; PYGM DEFICIENCY. Identifiers: Orphanet 368, MedGen C0017924, MONDO:0009293, OMIM 232600.

Allele frequency attached by ClinVar (database versions not stated): TOPMed below 0.00001.

Submissions (3):

Myriad Genetics, Inc.
Classification: Uncertain significance for Glycogen storage disease, type V. Last evaluated: 2026-08-11. Review status: criteria provided, single submitter. Criteria: Myriad Autosomal Dominant, Autosomal Recessive and X-Linked Classification Criteria (2023). Collection method: clinical testing. Allele origin: unknown.
Comment: NM_005609.2(PYGM):c.1092+1G>C is a variant in a canonical splice site classified as a variant of uncertain significance in the context of glycogen storage disease, PYGM-related. c.1092+1G>C has not been observed in cases with relevant disease. Relevant functional assessments of this variant are not available in the literature. c.1092+1G>C has not been observed in referenced population frequency databases. In summary, there is insufficient evidence to classify NM_005609.2(PYGM):c.1092+1G>C as pathogenic or benign. Please note: this variant was assessed in the context of healthy population screening.

Natera, Inc.
Classification: Likely pathogenic for Glycogen storage disease V. Last evaluated: 2024-08-13. Review status: criteria provided, single submitter. Criteria: Natera Variant Classification Schema (03/2026). Collection method: clinical testing. Allele origin: germline.
Comment: The c.1092+1G>C variant in PYGM is a canonical splice donor site variant predicted to affect pre-mRNA splicing, which may result in an abnormal transcript and altered protein product. This variant is expected to result in nonsense mediated decay, truncation, or a dysfunctional protein product. This variant is rare in the general population with a frequency below the threshold expected for the associated phenotype(s). Given the available evidence, this variant is classified as Likely Pathogenic.

Labcorp Genetics (formerly Invitae), Labcorp
Classification: Likely pathogenic for Glycogen storage disease, type V. Last evaluated: 2022-11-08. Review status: criteria provided, single submitter. Criteria: Invitae Variant Classification Sherloc (09022015). Collection method: clinical testing. Allele origin: germline.
Comment: This variant is not present in population databases (gnomAD no frequency). In summary, the currently available evidence indicates that the variant is pathogenic, but additional data are needed to prove that conclusively. Therefore, this variant has been classified as Likely Pathogenic. Algorithms developed to predict the effect of sequence changes on RNA splicing suggest that this variant may disrupt the consensus splice site. ClinVar contains an entry for this variant (Variation ID: 1068200). This variant has not been reported in the literature in individuals affected with PYGM-related conditions. This sequence change affects a donor splice site in intron 9 of the PYGM gene. It is expected to disrupt RNA splicing. Variants that disrupt the donor or acceptor splice site typically lead to a loss of protein function (PMID: 16199547), and loss-of-function variants in PYGM are known to be pathogenic (PMID: 8316268, 16786513).

Literature cited by the submitters: PubMed 16199547 (cited by Labcorp Genetics (formerly Invitae), Labcorp); PubMed 8316268 (cited by Labcorp Genetics (formerly Invitae), Labcorp); PubMed 16786513 (cited by Labcorp Genetics (formerly Invitae), Labcorp).

NM_005609.4(PYGM):c.1092+1G>C

Gene: PYGM (glycogen phosphorylase, muscle associated; minus strand). Cytogenetic location: 11q13.1.
Variant type: single nucleotide variant.
Coding change: c.1092+1G>C on transcript NM_005609.4 (MANE Select); the canonical splice donor site of the intron after coding-DNA position 1092, G replaced by C.
Molecular consequence: splice donor variant.
Genome position (GRCh38, 1-based): chr11:64,754,252, C>G on the plus strand (G>C on the coding strand, the complement: PYGM is on the minus strand). VCF-style: chr11-64754252-C-G. GRCh37 (hg19) VCF-style: chr11-64521724-C-G.
Other names: c.828+1G>C (NM_001164716.1); c.1092+1G>C (NM_005609.3).
Identifiers: ClinVar variation 1068200 (VCV001068200.11), dbSNP rs749560316, ClinGen allele CA381176935.